The following is an entry in ClinVar:

NM_000276.4(OCRL):c.1780C>T (p.Gln594Ter)

Gene: OCRL (OCRL inositol polyphosphate-5-phosphatase; plus strand). Cytogenetic location: Xq26.1.
Variant type: single nucleotide variant.
Coding change: c.1780C>T on transcript NM_000276.4 (MANE Select); coding-DNA position 1780, C replaced by T.
Protein change: p.Gln594Ter; replaces glutamine 594 with a stop codon.
Molecular consequence: nonsense.
Genome position (GRCh38, 1-based): chrX:129,575,963, C>T. VCF-style: chrX-129575963-C-T. GRCh37 (hg19) VCF-style: chrX-128709940-C-T.
Other names: c.1783C>T, p.Gln595Ter (NM_001318784.2); c.1780C>T, p.Gln594Ter (NM_001587.4); short protein forms Q594*, Q595*.
Identifiers: ClinVar variation 3235037 (VCV003235037.1), dbSNP rs2521920349, ClinGen allele CA414619132.
Genomic context (GRCh38, chrX:129,575,963, plus strand): 5'-TTTGAAAATGTGAAGTTTCGGCAACTACAAAAGGAGAAGTTCCAGATCAGCAACAATGGA[C>T]AGGTTCCCTGCCATTTTTCTTTCATCCCTAAACTTAATGACAGCCAGTACTGCAAGCCAT-3'

ClinVar aggregate classification (germline): Likely pathogenic (1 of 4 stars; one submission).

Conditions:
Lowe syndrome (OCRL). Also called: LOWE OCULOCEREBRORENAL SYNDROME; PHOSPHATIDYLINOSITOL 4,5-BISPHOSPHATE 5-PHOSPHATASE DEFICIENCY; Oculocerebrorenal Syndrome. Identifiers: Orphanet 534, MedGen C0028860, MONDO:0010645, OMIM 309000.

Submission:

Neuberg Centre For Genomic Medicine, NCGM
Classification: Likely pathogenic for Lowe syndrome. Review status: criteria provided, single submitter. Criteria: ACMG Guidelines, 2015. Collection method: clinical testing. Allele origin: germline. Inheritance: Autosomal recessive inheritance. Affected: yes.
Comment: The stop gained variant c.1780C>Tp.Gln594Ter in OCRL gene has not been reported previously as a pathogenic variant nor as a benign variant, to our knowledge. The c.1780C>T variant is novel not in any individuals in gnomAD Exomes and 1000 Genomes. This variant is predicted to cause loss of normal protein function through protein truncation. Loss of function variants have been previously reported to be disease causing Pirruccello M, De Camilli P, 2012. For these reasons, this variant has been classified as Likely Pathogenic.